The following is an entry in ClinVar:

NM_015450.3(POT1):c.343A>C (p.Ile115Leu)

Gene: POT1 (protection of telomeres 1; minus strand). Cytogenetic location: 7q31.33.
Variant type: single nucleotide variant.
Coding change: c.343A>C on transcript NM_015450.3 (MANE Select); coding-DNA position 343, A replaced by C.
Protein change: p.Ile115Leu; replaces isoleucine 115 with leucine.
Molecular consequence: missense variant. On other transcripts: 5 prime UTR variant (1), non-coding transcript variant (3).
Genome position (GRCh38, 1-based): chr7:124,863,553, T>G on the plus strand (A>C on the coding strand, the complement: POT1 is on the minus strand). VCF-style: chr7-124863553-T-G. GRCh37 (hg19) VCF-style: chr7-124503607-T-G.
Other names: c.-51A>C (NM_001042594.2); short protein forms I115L.
Identifiers: ClinVar variation 541858 (VCV000541858.16), dbSNP rs755644182, ClinGen allele CA4465455.

ClinVar aggregate classification (germline): Uncertain significance. Review status: criteria provided, multiple submitters, no conflicts (2 of 4 stars). 2 submissions from 2 submitters: Uncertain significance (2). Last evaluated 2025-10-14.

Conditions:
Hereditary cancer-predisposing syndrome. Also called: Hereditary Cancer Syndrome; Neoplastic Syndromes, Hereditary; Hereditary neoplastic syndrome; Tumor predisposition. Identifiers: Orphanet 140162, MedGen C0027672, MeSH D009386, MONDO:0015356.
Tumor predisposition syndrome 3 (TPDS3). Also called: Glioma susceptibility 9; LONG TELOMERE SYNDROME, POT1-RELATED; POT1 Tumor Predisposition; Melanoma, cutaneous malignant, susceptibility to, 10. Identifiers: Orphanet 618, MedGen C4014476, MONDO:0014368, OMIM 615848.

Allele frequency attached by ClinVar (database versions not stated): gnomAD 0.00001; TOPMed 0.00001; gnomAD exomes 0.00002; ExAC 0.00005.
gnomAD v4.1: 12 of 1,613,796 alleles (0.00074%); highest among the groups gnomAD compares: Non-Finnish European, 0.00076%; no homozygotes.

Submissions (2):

Ambry Genetics
Classification: Uncertain significance for Hereditary cancer-predisposing syndrome. Last evaluated: 2025-10-14. Review status: criteria provided, single submitter. Criteria: Ambry Variant Classification Scheme 2023. Collection method: clinical testing. Allele origin: germline.
Comment: The p.I115L variant (also known as c.343A>C), located in coding exon 4 of the POT1 gene, results from an A to C substitution at nucleotide position 343. The isoleucine at codon 115 is replaced by leucine, an amino acid with highly similar properties. This amino acid position is not well conserved in available vertebrate species. In addition, this alteration is predicted to be tolerated by in silico analysis. Since supporting evidence is limited at this time, the clinical significance of this alteration remains unclear.

Labcorp Genetics (formerly Invitae), Labcorp
Classification: Uncertain significance for Tumor predisposition syndrome 3. Last evaluated: 2025-09-25. Review status: criteria provided, single submitter. Criteria: Invitae Variant Classification Sherloc (09022015). Collection method: clinical testing. Allele origin: germline.
Comment: This sequence change replaces isoleucine, which is neutral and non-polar, with leucine, which is neutral and non-polar, at codon 115 of the POT1 protein (p.Ile115Leu). This variant is present in population databases (rs755644182, gnomAD 0.005%). This variant has not been reported in the literature in individuals affected with POT1-related conditions. ClinVar contains an entry for this variant (Variation ID: 541858). Invitae Evidence Modeling of protein sequence and biophysical properties (such as structural, functional, and spatial information, amino acid conservation, physicochemical variation, residue mobility, and thermodynamic stability) indicates that this missense variant is not expected to disrupt POT1 protein function with a negative predictive value of 80%. In summary, the available evidence is currently insufficient to determine the role of this variant in disease. Therefore, it has been classified as a Variant of Uncertain Significance.